The following is an entry in ClinVar:

ClinVar aggregate classification (germline): Likely pathogenic. Review status: reviewed by expert panel (3 of 4 stars). 4 submissions from 4 submitters: Likely pathogenic (1). 3 of the submissions do not count toward it. Last evaluated 2025-05-19.

Conditions:
Juvenile retinoschisis (RS1). Also called: X-Linked Juvenile Retinoschisis; X-linked retinoschisis. Identifiers: Orphanet 792, MedGen C3714753, MONDO:0010725, OMIM 312700.

Submissions (4):

ClinGen X-linked Inherited Retinal Disease Variant Curation Expert Panel, ClinGen
Classification: Likely pathogenic for Juvenile retinoschisis. Last evaluated: 2025-05-19. Review status: reviewed by expert panel. Criteria: ClinGen X LinkedIRD ACMG Specifications RS1 V1.0.0. Collection method: curation. Allele origin: germline. Inheritance: X-linked inheritance.
Comment: The NM_000330.4(RS1):c.421C>G variant is a missense variant encoding the substitution of Arginine with Glycine at amino acid 141. This variant is absent from hemizygous individuals in gnomAD v4.1.0 (PM2_Supporting). The computational predictor REVEL gives a score of 0.864, which is within the ClinGen X-linked IRD VCEP range between 0.931 to 0.773 and predicts a damaging effect on RS1 function (PP3_moderate). The computational splicing predictor SpliceAI gives a delta score of 0.00 for all predictive splice changes, which is below the ClinGen X-linked IRD VCEP threshold of >0.2 and does not predict that the variant disrupts RS1 splicing. HEK293 cells exogenously expressing the variant exhibit loss of RS1 secretion into the medium relative to the wild-type control (PMID: 30040949, PS3_Supporting). This variant was found to affect a surface residue within the loop region causing RS1 to lose its ability to bind other molecules (PMID: 28848397). Another missense variant in the same codon, c.422G>A (p.Arg141His), (PMIDs: 34645606, 30450322, 29739629, 35984651, 30652005, 19093009) has been classified as pathogenic for X-linked retinoschisis by the ClinGen X-linked IRD VCEP, while no benign missense variants have been identified in this codon. The present variant has a higher Grantham’s distance than the comparison variant, and SpliceAI has been used to confirm that neither variant has a predicted impact on RS1 splicing (PM5). The variant has been reported to segregate with retinal dystrophy through 1 meiosis in a family that includes two affected brothers (PP1; PMID: 15937075). This variant has been reported in at least 2 apparently unrelated probands meeting the PS4 requirement of a male diagnosed with X-linked retinoschisis (PMIDs: 9618178, 15937075, 28272453, PS4_Supporting). In summary, this variant is classified as likely pathogenic pathogenic for X-linked retinoschisis based on the ClinGen X-linked Inherited Retinal Disease Expert Panel Specifications to the ACMG/AMP Variant Interpretation Guidelines for RS1 Version 1.0.0: PM2_supporting, PP3_moderate, PS3_supporting, PP1, PM5, and PS4_supporting (date of approval 01/24/2025).

CeGaT Center for Human Genetics Tuebingen
Classification: Pathogenic. Last evaluated: 2024-02-01. Review status: criteria provided, single submitter. Criteria: CeGaT Center For Human Genetics Tuebingen Variant Classification Criteria Version 2. Collection method: clinical testing. Allele origin: germline. Affected: yes. Observed: 1 variant allele. Not counted in ClinVar's aggregate classification.
Comment: RS1: PM1, PM2, PM5, PS4:Moderate, PP3, PP4, PS3:Supporting

Labcorp Genetics (formerly Invitae), Labcorp
Classification: Pathogenic. Last evaluated: 2022-07-18. Review status: criteria provided, single submitter. Criteria: Invitae Variant Classification Sherloc (09022015). Collection method: clinical testing. Allele origin: germline. Not counted in ClinVar's aggregate classification.
Comment: Experimental studies have shown that this missense change affects RS1 function (PMID: 12417531, 16361673, 17525175). ClinVar contains an entry for this variant (Variation ID: 98958). Advanced modeling of protein sequence and biophysical properties (such as structural, functional, and spatial information, amino acid conservation, physicochemical variation, residue mobility, and thermodynamic stability) performed at Invitae indicates that this missense variant is expected to disrupt RS1 protein function. This variant disrupts the p.Arg141 amino acid residue in RS1. Other variant(s) that disrupt this residue have been determined to be pathogenic (PMID: 9618178, 10636429, 28559085, 30450322, 30652005). This suggests that this residue is clinically significant, and that variants that disrupt this residue are likely to be disease-causing. This missense change has been observed in individuals with retinoschisis (PMID: 9618178, 15937075, 28272453). This sequence change replaces arginine, which is basic and polar, with glycine, which is neutral and non-polar, at codon 141 of the RS1 protein (p.Arg141Gly). This variant is not present in population databases (gnomAD no frequency). For these reasons, this variant has been classified as Pathogenic.

Retina International
No classification provided. Review status: no classification provided. Collection method: not provided. Allele origin: unknown. Not counted in ClinVar's aggregate classification.

Literature cited by the submitters: PubMed 12417531 (cited by Labcorp Genetics (formerly Invitae), Labcorp); PubMed 16361673 (cited by Labcorp Genetics (formerly Invitae), Labcorp); PubMed 17525175 (cited by Labcorp Genetics (formerly Invitae), Labcorp); PubMed 9618178 (cited by Labcorp Genetics (formerly Invitae), Labcorp); PubMed 10636429 (cited by Labcorp Genetics (formerly Invitae), Labcorp); PubMed 28559085 (cited by Labcorp Genetics (formerly Invitae), Labcorp); PubMed 30450322 (cited by Labcorp Genetics (formerly Invitae), Labcorp); PubMed 30652005 (cited by Labcorp Genetics (formerly Invitae), Labcorp); PubMed 15937075 (cited by Labcorp Genetics (formerly Invitae), Labcorp); PubMed 28272453 (cited by Labcorp Genetics (formerly Invitae), Labcorp).

NM_000330.4(RS1):c.421C>G (p.Arg141Gly)

Genes: CDKL5 (cyclin dependent kinase like 5; plus strand), RS1 (retinoschisin 1; minus strand). Cytogenetic location: Xp22.13.
Variant type: single nucleotide variant.
Coding change: c.421C>G on transcript NM_000330.4 (MANE Select); coding-DNA position 421, C replaced by G.
Protein change: p.Arg141Gly; replaces arginine 141 with glycine.
Molecular consequence: missense variant. On other transcripts: intron variant (2).
Genome position (GRCh38, 1-based): chrX:18,644,531, G>C on the plus strand (C>G on the coding strand, the complement: RS1 is on the minus strand). VCF-style: chrX-18644531-G-C. GRCh37 (hg19) VCF-style: chrX-18662651-G-C.
Other names: NM_000330.4(RS1):c.421C>G; c.2714-1476G>C (NM_003159.3, NM_001037343.2); short protein forms R141G.
Identifiers: ClinVar variation 98958 (VCV000098958.29), dbSNP rs61752158, ClinGen allele CA226726.
Genomic context (GRCh38, chrX:18,644,531, plus strand): 5'-GGCGCTCATCGGTCCTGTACTGCACGCTGTACTTGGTCATCCACTCATCGATGTCACAGC[G>C]CCCCTGGGTGAGGATCCCTGAAATCACTTTGATCTCCTTCAGATCTATCTGTAACCACTG-3'
Protein context (NP_000321.1, residues 131-151): KVISGILTQG[Arg141Gly]CDIDEWMTKY